The following is an entry in ClinVar:

NM_001371904.1(APOA5):c.996C>G (p.Asp332Glu)

Gene: APOA5 (apolipoprotein A5; minus strand). Cytogenetic location: 11q23.3.
Variant type: single nucleotide variant.
Coding change: c.996C>G on transcript NM_001371904.1 (MANE Select); coding-DNA position 996, C replaced by G.
Protein change: p.Asp332Glu; replaces aspartic acid 332 with glutamic acid.
Molecular consequence: missense variant.
Genome position (GRCh38, 1-based): chr11:116,790,233, G>C on the plus strand (C>G on the coding strand, the complement: APOA5 is on the minus strand). VCF-style: chr11-116790233-G-C. GRCh37 (hg19) VCF-style: chr11-116660949-G-C.
Other names: c.996C>G, p.Asp332Glu (NM_001166598.2, NM_052968.5); short protein forms D332E.
Identifiers: ClinVar variation 3127897 (VCV003127897.2), dbSNP rs2540243581, ClinGen allele CA382734475.

ClinVar aggregate classification (germline): Uncertain significance (1 of 4 stars; one submission).

Conditions:
Cardiovascular phenotype. Identifiers: MedGen CN230736.

gnomAD v4.1: 4 of 1,614,254 alleles (0.00025%); highest among the groups gnomAD compares: Non-Finnish European, 0.00034%; no homozygotes.

Submission:

Ambry Genetics
Classification: Uncertain significance for Cardiovascular phenotype. Last evaluated: 2026-02-13. Review status: criteria provided, single submitter. Criteria: Ambry Variant Classification Scheme 2023. Collection method: clinical testing. Allele origin: germline.
Comment: The p.D332E variant (also known as c.996C>G), located in coding exon 3 of the APOA5 gene, results from a C to G substitution at nucleotide position 996. The aspartic acid at codon 332 is replaced by glutamic acid, an amino acid with highly similar properties. This amino acid position is conserved. In addition, this alteration is predicted to be tolerated by in silico analysis. Based on the available evidence, the clinical significance of this variant remains unclear.